The following is an entry in ClinVar:

ClinVar aggregate classification (germline): Uncertain significance (1 of 4 stars; one submission).

Allele frequency attached by ClinVar (database versions not stated): gnomAD 0.00001.
gnomAD v4.1: 11 of 1,191,958 alleles (0.00092%); highest among the groups gnomAD compares: Admixed American, 0.024%; no homozygotes.

Submission:

Labcorp Genetics (formerly Invitae), Labcorp
Classification: Uncertain significance. Last evaluated: 2025-07-27. Review status: criteria provided, single submitter. Criteria: Invitae Variant Classification Sherloc (09022015). Collection method: clinical testing. Allele origin: germline.
Comment: This sequence change falls in intron 4 of the GRIA3 gene. It does not directly change the encoded amino acid sequence of the GRIA3 protein. It affects a nucleotide within the consensus splice site. This variant is present in population databases (rs770064569, gnomAD 0.04%), and has an allele count higher than expected for a pathogenic variant. This variant has not been reported in the literature in individuals affected with GRIA3-related conditions. ClinVar contains an entry for this variant (Variation ID: 1370576). Variants that disrupt the consensus splice site are a relatively common cause of aberrant splicing (PMID: 17576681, 9536098). Algorithms developed to predict the effect of sequence changes on RNA splicing suggest that this variant is not likely to affect RNA splicing. In summary, the available evidence is currently insufficient to determine the role of this variant in disease. Therefore, it has been classified as a Variant of Uncertain Significance.

Literature cited by the submitters: PubMed 17576681; PubMed 9536098.

NM_007325.5(GRIA3):c.696+4C>T

Gene: GRIA3 (glutamate ionotropic receptor AMPA type subunit 3; plus strand). Cytogenetic location: Xq25.
Variant type: single nucleotide variant.
Coding change: c.696+4C>T on transcript NM_007325.5 (MANE Select); 4 bases into the intron after coding-DNA position 696, C replaced by T.
Molecular consequence: intron variant.
Genome position (GRCh38, 1-based): chrX:123,326,217, C>T. VCF-style: chrX-123326217-C-T. GRCh37 (hg19) VCF-style: chrX-122460068-C-T.
Other names: c.696+4C>T (NM_000828.5).
Identifiers: ClinVar variation 1370576 (VCV001370576.7), dbSNP rs770064569, ClinGen allele CA10506929.